The following is an entry in ClinVar:

NM_016628.5(WAC):c.1072C>T (p.Gln358Ter)

Gene: WAC (WW domain containing adaptor with coiled-coil; plus strand). Cytogenetic location: 10p12.1.
Variant type: single nucleotide variant.
Coding change: c.1072C>T on transcript NM_016628.5 (MANE Select); coding-DNA position 1072, C replaced by T.
Protein change: p.Gln358Ter; replaces glutamine 358 with a stop codon.
Molecular consequence: nonsense.
Genome position (GRCh38, 1-based): chr10:28,608,338, C>T. VCF-style: chr10-28608338-C-T. GRCh37 (hg19) VCF-style: chr10-28897267-C-T.
Other names: c.937C>T, p.Gln313Ter (NM_100264.3); c.763C>T, p.Gln255Ter (NM_100486.4); short protein forms Q313*, Q358*, Q255*.
Identifiers: ClinVar variation 373124 (VCV000373124.2), dbSNP rs1057518233, ClinGen allele CA16042696.

ClinVar aggregate classification (germline): Pathogenic (1 of 4 stars; one submission).

Submission:

GeneDx
Classification: Pathogenic. Last evaluated: 2016-11-23. Review status: criteria provided, single submitter. Criteria: GeneDx Variant Classification (06012015). Collection method: clinical testing. Allele origin: germline. Affected: yes.
Comment: The Q358X pathogenic variant in the WAC gene has not been reported previously as a pathogenic variant, nor as a benign variant, to our knowledge. This variant is predicted to cause loss of normal protein function either through protein truncation or nonsense-mediated mRNA decay. The Q358X variant was not observed in approximately 6,500 individuals of European and African American ancestry in the NHLBI Exome Sequencing Project, indicating it is not a common benign variant in these populations. We interpret Q358X as a pathogenic variant.